The following is an entry in ClinVar:

NM_005334.3(HCFC1):c.5989G>A (p.Val1997Met)

Gene: HCFC1 (host cell factor C1; minus strand). Cytogenetic location: Xq28.
Variant type: single nucleotide variant.
Coding change: c.5989G>A on transcript NM_005334.3 (MANE Select); coding-DNA position 5989, G replaced by A.
Protein change: p.Val1997Met; replaces valine 1997 with methionine.
Molecular consequence: missense variant.
Genome position (GRCh38, 1-based): chrX:153,950,258, C>T on the plus strand (G>A on the coding strand, the complement: HCFC1 is on the minus strand). VCF-style: chrX-153950258-C-T. GRCh37 (hg19) VCF-style: chrX-153215709-C-T.
Other names: c.6124G>A, p.Val2042Met (NM_001410705.1); c.6130G>A, p.Val2044Met (NM_001440843.1); c.6121G>A, p.Val2041Met (NM_001440844.1, NM_001440845.1); c.6118G>A, p.Val2040Met (NM_001440846.1); c.6001G>A, p.Val2001Met (NM_001440847.1); c.5998G>A, p.Val2000Met (NM_001440848.1); c.5992G>A, p.Val1998Met (NM_001440849.1); c.5923G>A, p.Val1975Met (NM_001440850.1); and 1 more; short protein forms V2042M, V2044M, V1997M, V2001M, V2041M, V1975M, V2000M, V1931M.
Identifiers: ClinVar variation 4995886 (VCV004995886.1).

ClinVar aggregate classification (germline): Uncertain significance (1 of 4 stars; one submission).

Conditions:
HCFC1-related disorder. Also called: HCFC1-related condition.

Submission:

PreventionGenetics, part of Exact Sciences
Classification: Uncertain significance for HCFC1-related condition. Last evaluated: 2026-04-07. Review status: criteria provided, single submitter. Criteria: ACMG Guidelines, 2015. Collection method: clinical testing. Allele origin: germline.
Comment: The HCFC1 c.5989G>A variant is predicted to result in the amino acid substitution p.Val1997Met. To our knowledge, this variant has not been reported in the literature or in a large population database (gnomAD), indicating this variant is rare. At this time, the clinical significance of this variant is uncertain due to the absence of conclusive functional and genetic evidence.